The following is an entry in ClinVar:

NM_018979.4(WNK1):c.2003G>C (p.Arg668Pro)

Gene: WNK1 (WNK lysine deficient protein kinase 1; plus strand). Cytogenetic location: 12p13.33.
Variant type: single nucleotide variant.
Coding change: c.2003G>C on transcript NM_018979.4 (MANE Select); coding-DNA position 2003, G replaced by C.
Protein change: p.Arg668Pro; replaces arginine 668 with proline.
Molecular consequence: missense variant.
Genome position (GRCh38, 1-based): chr12:862,134, G>C. VCF-style: chr12-862134-G-C. GRCh37 (hg19) VCF-style: chr12-971300-G-C.
Other names: c.2003G>C, p.Arg668Pro (NM_001184985.2, NM_014823.3, NM_213655.5); short protein forms R668P.
Identifiers: ClinVar variation 652112 (VCV000652112.10), dbSNP rs753167766, ClinGen allele CA383336263.

ClinVar aggregate classification (germline): Uncertain significance (1 of 4 stars; one submission).

Conditions:
Pseudohypoaldosteronism type 2C (PHA2C). Also called: Pseudohypoaldosteronism Type IIC. Identifiers: Orphanet 757, Orphanet 88940, MedGen C1840391, MONDO:0013778, OMIM 614492.
Neuropathy, hereditary sensory and autonomic, type 2A (HSAN2A). Also called: ACROOSTEOLYSIS, GIACCAI TYPE; ACROOSTEOLYSIS, NEUROGENIC; HSAN IIA; WNK1-Related HSAN2 (HSAN2A); MORVAN DISEASE; NEUROPATHY, CONGENITAL SENSORY. Identifiers: Orphanet 970, MedGen C2752089, MONDO:0024309, OMIM 201300.

gnomAD v4.1: 1 of 1,613,972 alleles (0.000062%); highest among the groups gnomAD compares: Non-Finnish European, 0.000085%; no homozygotes.

Submission:

Labcorp Genetics (formerly Invitae), Labcorp
Classification: Uncertain significance for Neuropathy, hereditary sensory and autonomic, type 2A; Pseudohypoaldosteronism type 2C. Last evaluated: 2022-04-28. Review status: criteria provided, single submitter. Criteria: Invitae Variant Classification Sherloc (09022015). Collection method: clinical testing. Allele origin: germline.
Comment: ClinVar contains an entry for this variant (Variation ID: 652112). In summary, the available evidence is currently insufficient to determine the role of this variant in disease. Therefore, it has been classified as a Variant of Uncertain Significance. Advanced modeling of protein sequence and biophysical properties (such as structural, functional, and spatial information, amino acid conservation, physicochemical variation, residue mobility, and thermodynamic stability) performed at Invitae indicates that this missense variant is not expected to disrupt WNK1 protein function. This variant has not been reported in the literature in individuals affected with WNK1-related conditions. This variant is not present in population databases (gnomAD no frequency). This sequence change replaces arginine, which is basic and polar, with proline, which is neutral and non-polar, at codon 668 of the WNK1 protein (p.Arg668Pro).